The following is an entry in ClinVar:

ClinVar aggregate classification (germline): Uncertain significance (1 of 4 stars; one submission).

gnomAD v4.1: 4 of 1,593,268 alleles (0.00025%); highest among the groups gnomAD compares: East Asian, 0.009%; no homozygotes.

Submission:

GeneDx
Classification: Uncertain significance. Last evaluated: 2026-02-16. Review status: criteria provided, single submitter. Criteria: GeneDx Variant Classification Process June 2021. Collection method: clinical testing. Allele origin: germline.
Comment: Has not been previously published as pathogenic or benign to our knowledge; In silico analysis supports a deleterious effect on splicing

NM_016356.5(DCDC2):c.705-3C>T

Gene: DCDC2 (doublecortin domain containing 2; minus strand). Cytogenetic location: 6p22.3.
Variant type: single nucleotide variant.
Coding change: c.705-3C>T on transcript NM_016356.5 (MANE Select); 3 bases into the intron before coding-DNA position 705, C replaced by T.
Molecular consequence: intron variant.
Genome position (GRCh38, 1-based): chr6:24,288,909, G>A on the plus strand (C>T on the coding strand, the complement: DCDC2 is on the minus strand). VCF-style: chr6-24288909-G-A. GRCh37 (hg19) VCF-style: chr6-24289137-G-A.
Other names: c.705-3C>T (NM_001195610.2).
Identifiers: ClinVar variation 4888032 (VCV004888032.1).
Genomic context (GRCh38, chr6:24,288,909, plus strand): 5'-TACACTCCCTTTAGACTTTCTGGATCCTACAATAGGAGGTAGTGAAGAAGCTTTCTGACT[G>A]TGGAAACAAATTGCAATTTAGAAATCTGAATGTTGTTTACAAATAATGTACAATGCAAGA-3'